The following is an entry in ClinVar:

NM_006231.4(POLE):c.3583G>A (p.Val1195Ile)

Gene: POLE (DNA polymerase epsilon, catalytic subunit; minus strand). Cytogenetic location: 12q24.33.
Variant type: single nucleotide variant.
Coding change: c.3583G>A on transcript NM_006231.4 (MANE Select); coding-DNA position 3583, G replaced by A.
Protein change: p.Val1195Ile; replaces valine 1195 with isoleucine.
Molecular consequence: missense variant.
Genome position (GRCh38, 1-based): chr12:132,649,889, C>T on the plus strand (G>A on the coding strand, the complement: POLE is on the minus strand). VCF-style: chr12-132649889-C-T. GRCh37 (hg19) VCF-style: chr12-133226475-C-T.
Other names: c.3583G>A (NM_006231.2); short protein forms V1195I.
Identifiers: ClinVar variation 1043678 (VCV001043678.10), dbSNP rs773503806, ClinGen allele CA6893163.
Genomic context (GRCh38, chr12:132,649,889, plus strand): 5'-AGTCCTCCATGTCAGGAGCACTTGGCCTCGGACTGTCTTCTGAGGCCTCGGCCATCGTGA[C>T]CTGGAAAGACCCAGTGAAGCCTTAAATCTCAGGATCTCGGGCTGCGCAGGGTGGCTCATG-3'
Protein context (NP_006222.2, residues 1185-1205): ELFTLEGRRQ[Val1195Ile]TMAEASEDSP

ClinVar aggregate classification (germline): Uncertain significance. Review status: criteria provided, multiple submitters, no conflicts (2 of 4 stars). 4 submissions from 4 submitters: Uncertain significance (4). Last evaluated 2025-02-05.

Conditions:
Hereditary cancer-predisposing syndrome. Also called: Hereditary Cancer Syndrome; Tumor predisposition; Hereditary neoplastic syndrome; Neoplastic Syndromes, Hereditary. Identifiers: Orphanet 140162, MedGen C0027672, MeSH D009386, MONDO:0015356.

Allele frequency attached by ClinVar (database versions not stated): gnomAD exomes below 0.00001 and 0.00001; TOPMed below 0.00001; ExAC 0.00001.
gnomAD v4.1: 2 of 1,613,478 alleles (0.00012%); highest among the groups gnomAD compares: Non-Finnish European, 0.00017%; no homozygotes.

Submissions (4):

Labcorp Genetics (formerly Invitae), Labcorp
Classification: Uncertain significance. Last evaluated: 2025-02-05. Review status: criteria provided, single submitter. Criteria: Invitae Variant Classification Sherloc (09022015). Collection method: clinical testing. Allele origin: germline.
Comment: This sequence change replaces valine, which is neutral and non-polar, with isoleucine, which is neutral and non-polar, at codon 1195 of the POLE protein (p.Val1195Ile). This variant is present in population databases (rs773503806, gnomAD 0.002%). This variant has not been reported in the literature in individuals affected with POLE-related conditions. ClinVar contains an entry for this variant (Variation ID: 1043678). An algorithm developed to predict the effect of missense changes on protein structure and function outputs the following: PolyPhen-2: "Benign". The isoleucine amino acid residue is found in multiple mammalian species, which suggests that this missense change does not adversely affect protein function. In summary, the available evidence is currently insufficient to determine the role of this variant in disease. Therefore, it has been classified as a Variant of Uncertain Significance.

Ambry Genetics
Classification: Uncertain significance for Hereditary cancer-predisposing syndrome. Last evaluated: 2024-03-09. Review status: criteria provided, single submitter. Criteria: Ambry Variant Classification Scheme 2023. Collection method: clinical testing. Allele origin: germline.
Comment: The p.V1195I variant (also known as c.3583G>A) is located in coding exon 30 of the POLE gene. The valine at codon 1195 is replaced by isoleucine, an amino acid with highly similar properties. This change occurs in the first base pair of coding exon 30. This amino acid position is conserved. In addition, this alteration is predicted to be tolerated by in silico analysis. Based on the available evidence, the clinical significance of this alteration remains unclear.

GeneDx
Classification: Uncertain significance. Last evaluated: 2023-12-07. Review status: criteria provided, single submitter. Criteria: GeneDx Variant Classification Process June 2021. Collection method: clinical testing. Allele origin: germline. Affected: yes.
Comment: Not observed at significant frequency in large population cohorts (gnomAD); In silico analysis supports that this missense variant does not alter protein structure/function; Has not been previously published as pathogenic or benign to our knowledge

Sema4
Classification: Uncertain significance for Hereditary cancer-predisposing syndrome. Last evaluated: 2021-05-10. Review status: criteria provided, single submitter. Criteria: Sema4 Curation Guidelines. Collection method: curation. Allele origin: germline.
Comment: The POLE c.3583G>A (p.V1195I) variant has not been reported in the literature to our knowledge. This variant was observed in 2/112738 chromosomes in the Non-Finnish European subpopulation according to the Genome Aggregation Database (PMID: 32461654). This variant has been reported in ClinVar (Variation ID: 1043678). In silico tools suggest the impact of the variant on protein function is benign, though these predictions have not been confirmed by functional studies. The overall evidence is insufficient to meet ACMG/AMP criteria for classifying it as benign or pathogenic. In summary, the clinical significance of this variant is currently uncertain.